The following is an entry in ClinVar:

ClinVar aggregate classification (germline): Uncertain significance (1 of 4 stars; one submission).

Submission:

Labcorp Genetics (formerly Invitae), Labcorp
Classification: Uncertain significance. Last evaluated: 2024-11-18. Review status: criteria provided, single submitter. Criteria: Invitae Variant Classification Sherloc (09022015). Collection method: clinical testing. Allele origin: germline.
Comment: This sequence change replaces arginine, which is basic and polar, with glycine, which is neutral and non-polar, at codon 459 of the NLRP1 protein (p.Arg459Gly). This variant is not present in population databases (gnomAD no frequency). This variant has not been reported in the literature in individuals affected with NLRP1-related conditions. ClinVar contains an entry for this variant (Variation ID: 1501491). An algorithm developed to predict the effect of missense changes on protein structure and function (PolyPhen-2) suggests that this variant is likely to be disruptive. In summary, the available evidence is currently insufficient to determine the role of this variant in disease. Therefore, it has been classified as a Variant of Uncertain Significance.

NM_033004.4(NLRP1):c.1375C>G (p.Arg459Gly)

Gene: NLRP1 (NLR family pyrin domain containing 1; minus strand). Cytogenetic location: 17p13.2.
Variant type: single nucleotide variant.
Coding change: c.1375C>G on transcript NM_033004.4 (MANE Select); coding-DNA position 1375, C replaced by G.
Protein change: p.Arg459Gly; replaces arginine 459 with glycine.
Molecular consequence: missense variant.
Genome position (GRCh38, 1-based): chr17:5,559,321, G>C on the plus strand (C>G on the coding strand, the complement: NLRP1 is on the minus strand). VCF-style: chr17-5559321-G-C. GRCh37 (hg19) VCF-style: chr17-5462641-G-C.
Other names: c.1375C>G, p.Arg459Gly (NM_001033053.3, NM_014922.5, NM_033006.4 and 1 more transcripts); short protein forms R459G.
Identifiers: ClinVar variation 1501491 (VCV001501491.8), dbSNP rs202141327, ClinGen allele CA397385987.
Genomic context (GRCh38, chr17:5,559,321, plus strand): 5'-GGACCTCTACCCAACGTGCCTGCTCCAAAGAAGGAATGAGGTTCTGCAGAGCTGTGGTCC[G>C]AGCCGTGATCAGGAAGGATGCCTCGGGAAGTATAGTTTTCCCCAGCAAACTGCCCAGCAG-3'
Protein context (NP_127497.1, residues 449-469): LPEASFLITA[Arg459Gly]TTALQNLIPS